The following is an entry in ClinVar:

ClinVar aggregate classification (germline): Uncertain significance (1 of 4 stars; one submission).

Conditions:
Neuronal ceroid lipofuscinosis. Also called: Neuronal Ceroid Lipofuscinoses. Identifiers: Orphanet 216, Orphanet 79263, MedGen C0027877, MONDO:0016295. Disease mechanism: loss of function.

Submission:

Labcorp Genetics (formerly Invitae), Labcorp
Classification: Uncertain significance for Neuronal ceroid lipofuscinosis. Last evaluated: 2020-02-02. Review status: criteria provided, single submitter. Criteria: Invitae Variant Classification Sherloc (09022015). Collection method: clinical testing. Allele origin: germline.
Comment: In summary, the available evidence is currently insufficient to determine the role of this variant in disease. Therefore, it has been classified as a Variant of Uncertain Significance. Algorithms developed to predict the effect of missense changes on protein structure and function (SIFT, PolyPhen-2, Align-GVGD) all suggest that this variant is likely to be disruptive, but these predictions have not been confirmed by published functional studies and their clinical significance is uncertain. This variant has not been reported in the literature in individuals with CLN6-related conditions. This variant is not present in population databases (ExAC no frequency). This sequence change replaces proline with arginine at codon 152 of the CLN6 protein (p.Pro152Arg). The proline residue is highly conserved and there is a moderate physicochemical difference between proline and arginine.

NM_017882.3(CLN6):c.455C>G (p.Pro152Arg)

Gene: CLN6 (CLN6 transmembrane ER protein; minus strand). Cytogenetic location: 15q23.
Variant type: single nucleotide variant.
Coding change: c.455C>G on transcript NM_017882.3 (MANE Select); coding-DNA position 455, C replaced by G.
Protein change: p.Pro152Arg; replaces proline 152 with arginine.
Molecular consequence: missense variant.
Genome position (GRCh38, 1-based): chr15:68,211,706, G>C on the plus strand (C>G on the coding strand, the complement: CLN6 is on the minus strand). VCF-style: chr15-68211706-G-C. GRCh37 (hg19) VCF-style: chr15-68504044-G-C.
Other names: short protein forms P152R.
Identifiers: ClinVar variation 1055336 (VCV001055336.8), dbSNP rs2141139183, ClinGen allele CA392973366.